The following is an entry in ClinVar:

ClinVar aggregate classification (germline): Uncertain significance. Review status: criteria provided, multiple submitters, no conflicts (2 of 4 stars). 2 submissions from 2 submitters: Uncertain significance (2). Last evaluated 2025-12-02.

Conditions:
Primary ciliary dyskinesia. Also called: Ciliary dyskinesia. Identifiers: Orphanet 244, MedGen C0008780, MONDO:0016575, HP:0012265.

gnomAD v4.1: 1 of 1,591,616 alleles (0.000063%); highest among the groups gnomAD compares: East Asian, 0.0023%; no homozygotes.

Submissions (2):

Ambry Genetics
Classification: Uncertain significance for Primary ciliary dyskinesia. Last evaluated: 2025-12-02. Review status: criteria provided, single submitter. Criteria: Ambry Variant Classification Scheme 2023. Collection method: clinical testing. Allele origin: germline.

Labcorp Genetics (formerly Invitae), Labcorp
Classification: Uncertain significance for Primary ciliary dyskinesia. Last evaluated: 2022-07-12. Review status: criteria provided, single submitter. Criteria: Invitae Variant Classification Sherloc (09022015). Collection method: clinical testing. Allele origin: germline.
Comment: This sequence change replaces lysine, which is basic and polar, with arginine, which is basic and polar, at codon 76 of the DNAH11 protein (p.Lys76Arg). This variant is not present in population databases (gnomAD no frequency). This variant has not been reported in the literature in individuals affected with DNAH11-related conditions. Advanced modeling of protein sequence and biophysical properties (such as structural, functional, and spatial information, amino acid conservation, physicochemical variation, residue mobility, and thermodynamic stability) performed at Invitae indicates that this missense variant is not expected to disrupt DNAH11 protein function. In summary, the available evidence is currently insufficient to determine the role of this variant in disease. Therefore, it has been classified as a Variant of Uncertain Significance.

NM_001277115.2(DNAH11):c.227A>G (p.Lys76Arg)

Gene: DNAH11 (dynein axonemal heavy chain 11; plus strand). Cytogenetic location: 7p15.3.
Variant type: single nucleotide variant.
Coding change: c.227A>G on transcript NM_001277115.2 (MANE Select); coding-DNA position 227, A replaced by G.
Protein change: p.Lys76Arg; replaces lysine 76 with arginine.
Molecular consequence: missense variant.
Genome position (GRCh38, 1-based): chr7:21,543,472, A>G. VCF-style: chr7-21543472-A-G. GRCh37 (hg19) VCF-style: chr7-21583090-A-G.
Other names: c.227A>G, p.Lys76Arg (NM_003777.3); c.227A>G (NM_001277115.1); short protein forms K76R.
Identifiers: ClinVar variation 1931764 (VCV001931764.2), dbSNP rs2128424849, ClinGen allele CA366931404.